The following is an entry in ClinVar:

NM_024675.4(PALB2):c.836A>C (p.Lys279Thr)

Gene: PALB2 (partner and localizer of BRCA2; minus strand). Cytogenetic location: 16p12.2.
Variant type: single nucleotide variant.
Coding change: c.836A>C on transcript NM_024675.4 (MANE Select); coding-DNA position 836, A replaced by C.
Protein change: p.Lys279Thr; replaces lysine 279 with threonine.
Molecular consequence: missense variant.
Genome position (GRCh38, 1-based): chr16:23,635,710, T>G on the plus strand (A>C on the coding strand, the complement: PALB2 is on the minus strand). VCF-style: chr16-23635710-T-G. GRCh37 (hg19) VCF-style: chr16-23647031-T-G.
Other names: short protein forms K279T.
Identifiers: ClinVar variation 921971 (VCV000921971.13), dbSNP rs1967016594, ClinGen allele CA395135925.

ClinVar aggregate classification (germline): Uncertain significance. Review status: criteria provided, multiple submitters, no conflicts (2 of 4 stars). 2 submissions from 2 submitters: Uncertain significance (2). Last evaluated 2024-03-06.

Conditions:
Hereditary cancer-predisposing syndrome. Also called: Neoplastic Syndromes, Hereditary; Tumor predisposition; Hereditary Cancer Syndrome; Hereditary neoplastic syndrome. Identifiers: Orphanet 140162, MedGen C0027672, MeSH D009386, MONDO:0015356.
Familial cancer of breast. Also called: BREAST CANCER, FAMILIAL; hereditary breast carcinoma; Hereditary breast cancer. Identifiers: Orphanet 227535, MedGen C0346153, MONDO:0016419, OMIM 114480. Disease mechanism: loss of function.

Submissions (2):

Color Diagnostics, LLC DBA Color Health
Classification: Uncertain significance for Hereditary cancer-predisposing syndrome. Last evaluated: 2024-03-06. Review status: criteria provided, single submitter. Criteria: ACMG Guidelines, 2015. Collection method: clinical testing. Allele origin: germline.
Comment: This missense variant replaces lysine with threonine at codon 279 of the PALB2 protein. Computational prediction tool suggests that this variant may not impact protein structure and function (internally defined REVEL score threshold <=0.5, PMID: 27666373). Splice site prediction tools suggest that this variant may not impact RNA splicing. To our knowledge, functional studies have not been performed for this variant. This variant has not been reported in individuals affected with hereditary cancer in the literature. This variant has not been identified in the general population by the Genome Aggregation Database (gnomAD). The available evidence is insufficient to determine the role of this variant in disease conclusively. Therefore, this variant is classified as a Variant of Uncertain Significance.

Labcorp Genetics (formerly Invitae), Labcorp
Classification: Uncertain significance for Familial cancer of breast. Last evaluated: 2020-12-08. Review status: criteria provided, single submitter. Criteria: Invitae Variant Classification Sherloc (09022015). Collection method: clinical testing. Allele origin: germline.
Comment: In summary, the available evidence is currently insufficient to determine the role of this variant in disease. Therefore, it has been classified as a Variant of Uncertain Significance. Algorithms developed to predict the effect of missense changes on protein structure and function are either unavailable or do not agree on the potential impact of this missense change (SIFT: "Tolerated"; PolyPhen-2: "Possibly Damaging"; Align-GVGD: "Class C0"). This variant has not been reported in the literature in individuals with PALB2-related conditions. ClinVar contains an entry for this variant (Variation ID: 921971). This variant is not present in population databases (ExAC no frequency). This sequence change replaces lysine with threonine at codon 279 of the PALB2 protein (p.Lys279Thr). The lysine residue is weakly conserved and there is a moderate physicochemical difference between lysine and threonine.